The following is an entry in ClinVar:

NM_005431.2(XRCC2):c.267G>A (p.Met89Ile)

Gene: XRCC2 (X-ray repair cross complementing 2; minus strand). Cytogenetic location: 7q36.1.
Variant type: single nucleotide variant.
Coding change: c.267G>A on transcript NM_005431.2 (MANE Select); coding-DNA position 267, G replaced by A.
Protein change: p.Met89Ile; replaces methionine 89 with isoleucine.
Molecular consequence: missense variant.
Genome position (GRCh38, 1-based): chr7:152,649,218, C>T on the plus strand (G>A on the coding strand, the complement: XRCC2 is on the minus strand). VCF-style: chr7-152649218-C-T. GRCh37 (hg19) VCF-style: chr7-152346303-C-T.
Other names: short protein forms M89I.
Identifiers: ClinVar variation 3333538 (VCV003333538.1).

ClinVar aggregate classification (germline): Uncertain significance (1 of 4 stars; one submission).

Conditions:
Hereditary cancer-predisposing syndrome. Also called: Neoplastic Syndromes, Hereditary; Tumor predisposition; Hereditary neoplastic syndrome; Hereditary Cancer Syndrome. Identifiers: Orphanet 140162, MedGen C0027672, MeSH D009386, MONDO:0015356.

Submission:

Ambry Genetics
Classification: Uncertain significance for Hereditary cancer-predisposing syndrome. Last evaluated: 2024-04-26. Review status: criteria provided, single submitter. Criteria: Ambry Variant Classification Scheme 2023. Collection method: clinical testing. Allele origin: germline.
Comment: The p.M89I variant (also known as c.267G>A), located in coding exon 3 of the XRCC2 gene, results from a G to A substitution at nucleotide position 267. The methionine at codon 89 is replaced by isoleucine, an amino acid with highly similar properties. This amino acid position is conserved. In addition, this alteration is predicted to be tolerated by in silico analysis. Based on the available evidence, the clinical significance of this variant remains unclear.